The following is an entry in ClinVar:

NM_000037.4(ANK1):c.5614C>T (p.Arg1872Trp)

Gene: ANK1 (ankyrin 1; minus strand). Cytogenetic location: 8p11.21.
Variant type: single nucleotide variant.
Coding change: c.5614C>T on transcript NM_000037.4 (MANE Select); coding-DNA position 5614, C replaced by T.
Protein change: p.Arg1872Trp; replaces arginine 1872 with tryptophan.
Molecular consequence: missense variant. On other transcripts: intron variant (6).
Genome position (GRCh38, 1-based): chr8:41,661,495, G>A on the plus strand (C>T on the coding strand, the complement: ANK1 is on the minus strand). VCF-style: chr8-41661495-G-A. GRCh37 (hg19) VCF-style: chr8-41519013-G-A.
Other names: p.Arg1872Trp; c.439C>T, p.Arg147Trp (NM_020478.5); c.5667+381C>T (NM_001142446.2); c.5133+306C>T (NM_020477.3); c.5544+381C>T (NM_020475.3); c.5619+306C>T (NM_020476.3); c.303+2164C>T (NM_020480.5); c.444+306C>T (NM_001142445.2); short protein forms R1872W, R147W.
Identifiers: ClinVar variation 362980 (VCV000362980.18), dbSNP rs145235970, ClinGen allele CA4727057.

ClinVar aggregate classification (germline): Conflicting classifications of pathogenicity. Review status: criteria provided, conflicting classifications (1 of 4 stars). 7 submissions from 6 submitters: Uncertain significance (6); Likely benign (1). Last evaluated 2025-04-29.

Conditions:
Hereditary spherocytosis type 1. Also called: Spherocytosis type 1; ANK1-Related Spherocytosis. Identifiers: Orphanet 822, MedGen C2674218, MONDO:0008447, OMIM 182900.
ANK1-related disorder. Also called: ANK1-related condition.
Spherocytosis. Identifiers: MedGen C0553720, HP:0004444.

Allele frequency attached by ClinVar (database versions not stated): ExAC 0.00012; gnomAD 0.00014 and 0.00015; ESP Exome Variant Server 0.00015; 1000 Genomes Project 30x 0.00016; gnomAD exomes 0.00018; 1000 Genomes Project 0.00020; TOPMed 0.00020.
gnomAD v4.1: 441 of 1,613,964 alleles (0.027%); highest among the groups gnomAD compares: Admixed American, 0.048%; no homozygotes.

Submissions (7):

PreventionGenetics, part of Exact Sciences
Classification: Uncertain significance for ANK1-related condition. Last evaluated: 2025-04-29. Review status: criteria provided, single submitter. Criteria: ACMG Guidelines, 2015. Collection method: clinical testing. Allele origin: germline.
Comment: The ANK1 c.5614C>T variant is predicted to result in the amino acid substitution p.Arg1872Trp. This variant corresponds to a deep intronic position in an alternate transcript for this gene (NM_020476:c.5619+306C>T). To our knowledge, this variant has not been reported in the literature. This variant is reported in 0.051% of alleles in individuals of Latino descent in gnomAD. Although we suspect that this variant may be benign, at this time, the clinical significance of this variant is uncertain due to the absence of conclusive functional and genetic evidence.

Blueprint Genetics
Classification: Uncertain significance. Last evaluated: 2024-10-31. Review status: criteria provided, single submitter. Criteria: ACMG Guidelines, 2015. Collection method: clinical testing. Allele origin: germline.

Mayo Clinic Laboratories, Mayo Clinic
Classification: Uncertain significance. Last evaluated: 2024-10-08. Review status: criteria provided, single submitter. Criteria: ACMG Guidelines, 2015. Collection method: clinical testing. Allele origin: germline. Observed: 1 variant allele.
Comment: PM2_supporting

Revvity Omics, Revvity
Classification: Likely benign for Hereditary spherocytosis type 1. Last evaluated: 2024-07-14. Review status: criteria provided, single submitter. Criteria: ACMG Guidelines, 2015. Collection method: clinical testing. Allele origin: germline.

ARUP Laboratories, Molecular Genetics and Genomics, ARUP Laboratories
Classification: Uncertain significance for Hereditary spherocytosis type 1. Last evaluated: 2023-03-24. Review status: criteria provided, single submitter. Criteria: ARUP Molecular Germline Variant Investigation Process 2024. Collection method: clinical testing. Allele origin: germline.

Illumina Laboratory Services, Illumina
Classification: Uncertain significance for Hereditary spherocytosis type 1. Last evaluated: 2018-01-13. Review status: criteria provided, single submitter. Criteria: ICSL Variant Classification Criteria 13 December 2019. Collection method: clinical testing. Allele origin: germline.

Illumina Laboratory Services, Illumina
Classification: Uncertain significance for Spherocytosis. Last evaluated: 2018-01-13. Review status: criteria provided, single submitter. Criteria: ICSL Variant Classification Criteria 13 December 2019. Collection method: clinical testing. Allele origin: germline.